The following is an entry in ClinVar:

ClinVar aggregate classification (germline): Likely benign. Review status: criteria provided, multiple submitters, no conflicts (2 of 4 stars). 3 submissions from 3 submitters: Likely benign (3). Last evaluated 2026-01-26.

Conditions:
X-linked myopathy with postural muscle atrophy. Also called: FHL1-Related Emery-Dreifuss Muscular Dystrophy, X-Linked. Identifiers: Orphanet 178461, MedGen C2678055, MONDO:0010401, OMIM 300696.

Allele frequency attached by ClinVar (database versions not stated): ExAC 0.00001; gnomAD exomes 0.00001 and 0.00002; gnomAD 0.00007 and 0.00010; TOPMed 0.00011.
gnomAD v4.1: 14 of 1,209,792 alleles (0.0012%); highest among the groups gnomAD compares: African/African-American, 0.017%; no homozygotes.

Submissions (3):

Labcorp Genetics (formerly Invitae), Labcorp
Classification: Likely benign for X-linked myopathy with postural muscle atrophy. Last evaluated: 2026-01-26. Review status: criteria provided, single submitter. Criteria: Invitae Variant Classification Sherloc (09022015). Collection method: clinical testing. Allele origin: germline.

Athena Diagnostics
Classification: Likely benign. Last evaluated: 2025-02-21. Review status: criteria provided, single submitter. Criteria: Athena Diagnostics Criteria. Collection method: clinical testing. Allele origin: unknown.
Comment: The frequency of this variant in the general population is higher than would generally be expected for pathogenic variants in this gene. Computational tools yielded predictions that this variant is unlikely to have an effect on normal RNA splicing. This nucleotide position exhibits low evolutionary conservation.

GeneDx
Classification: Likely benign. Last evaluated: 2018-03-20. Review status: criteria provided, single submitter. Criteria: GeneDx Variant Classification (06012015). Collection method: clinical testing. Allele origin: germline. Affected: yes.
Comment: This variant is considered likely benign or benign based on one or more of the following criteria: it is a conservative change, it occurs at a poorly conserved position in the protein, it is predicted to be benign by multiple in silico algorithms, and/or has population frequency not consistent with disease.

NM_001159699.2(FHL1):c.380-7T>C

Gene: FHL1 (four and a half LIM domains 1; plus strand). Cytogenetic location: Xq26.3.
Variant type: single nucleotide variant.
Coding change: c.380-7T>C on transcript NM_001159699.2 (MANE Select); 7 bases into the intron before coding-DNA position 380, T replaced by C.
Molecular consequence: intron variant.
Genome position (GRCh38, 1-based): chrX:136,207,785, T>C. VCF-style: chrX-136207785-T-C. GRCh37 (hg19) VCF-style: chrX-135289944-T-C.
Other names: c.332-7T>C (NM_001159702.3, NM_001449.5, NM_001159703.2 and 9 more transcripts); c.419-7T>C (NM_001159701.2); c.380-7T>C (NM_001330659.2).
Identifiers: ClinVar variation 680386 (VCV000680386.12), dbSNP rs759571993, ClinGen allele CA10525000.
Genomic context (GRCh38, chrX:136,207,785, plus strand): 5'-GGAGCTGAGTGGATGCAGCCCCCTGCAGAGCCTGTCAGTGGGGCTATCCAATTGCTTCCC[T>C]CTGCAGGAGATCAAAACGTGGAGTACAAGGGGACCGTCTGGCACAAAGACTGCTTCACCT-3'